The following is an entry in ClinVar:

NM_001267550.2(TTN):c.29938G>A (p.Ala9980Thr)

Gene: TTN (titin; minus strand). Cytogenetic location: 2q31.2.
Variant type: single nucleotide variant.
Coding change: c.29938G>A on transcript NM_001267550.2 (MANE Select); coding-DNA position 29938, G replaced by A.
Protein change: p.Ala9980Thr; replaces alanine 9980 with threonine.
Molecular consequence: missense variant. On other transcripts: intron variant (3).
Genome position (GRCh38, 1-based): chr2:178,704,534, C>T on the plus strand (G>A on the coding strand, the complement: TTN is on the minus strand). VCF-style: chr2-178704534-C-T. GRCh37 (hg19) VCF-style: chr2-179569261-C-T.
Other names: p.A9663T:GCT>ACT; c.28987G>A, p.Ala9663Thr (NM_001256850.1); c.26206G>A, p.Ala8736Thr (NM_133378.4); c.13282+33548G>A (NM_003319.4); c.13858+33548G>A (NM_133437.4); c.13657+33548G>A (NM_133432.3); short protein forms A9980T, A8736T, A9663T.
Identifiers: ClinVar variation 46827 (VCV000046827.37), dbSNP rs189286381, ClinGen allele CA139294.
Genomic context (GRCh38, chr2:178,704,534, plus strand): 5'-ATCTCACAAGTATTTCATAAGCCTTTTCTAACTTACCAATTACAGTTAGTTTAGCGCTAG[C>T]GATGTGTGGACCACAAACCAATCGATAATTGCCCTGGTCTTTAAGTTGACAGTTTTTGAC-3'
Protein context (NP_001254479.2, residues 9970-9990): NYRLVCGPHI[Ala9980Thr]SAKLTVIEPA

ClinVar aggregate classification (germline): Conflicting classifications of pathogenicity. Review status: criteria provided, conflicting classifications (1 of 4 stars). 8 submissions from 8 submitters: Uncertain significance (1); Benign (1); Likely benign (6). Last evaluated 2026-05-27.

Conditions:
Dilated cardiomyopathy 1G (CMD1G). Identifiers: Orphanet 154, MedGen C1858763, MONDO:0011400, OMIM 604145.
Autosomal recessive limb-girdle muscular dystrophy type 2J (LGMDR10). Also called: Limb-girdle muscular dystrophy, type 2J; MUSCULAR DYSTROPHY, LIMB-GIRDLE, AUTOSOMAL RECESSIVE 10. Identifiers: Orphanet 140922, MedGen C1837342, MONDO:0012127, OMIM 608807.

Allele frequency attached by ClinVar (database versions not stated): TOPMed 0.00072; 1000 Genomes Project 0.00100; 1000 Genomes Project 30x 0.00109.
gnomAD v4.1: 319 of 1,611,366 alleles (0.02%); highest among the groups gnomAD compares: East Asian, 0.58%; 2 homozygotes.

Submissions (8):

Women's Health and Genetics/Laboratory Corporation of America, LabCorp
Classification: Likely benign. Last evaluated: 2026-05-27. Review status: criteria provided, single submitter. Criteria: LabCorp Variant Classification Summary - May 2015. Collection method: clinical testing. Allele origin: germline.
Comment: Variant summary: TTN c.26206G>A (p.Ala8736Thr) results in a non-conservative amino acid change in the encoded protein sequence. Algorithms developed to predict the effect of missense changes on protein structure and function are either unavailable or do not agree on the potential impact of this missense change. The variant allele was found at a frequency of 0.00062 in 247416 control chromosomes, predominantly at a frequency of 0.008 within the East Asian subpopulation in the gnomAD database, including one homozygote. The observed variant frequency within East Asian control individuals in the gnomAD database exceeds the estimated maximal expected allele frequency for disease-causing variants in TTN. To our knowledge, no experimental evidence demonstrating impact on protein function has been reported. ClinVar contains an entry for this variant (Variation ID: 46827). Based on the evidence outlined above, the variant was classified as likely benign.

Labcorp Genetics (formerly Invitae), Labcorp
Classification: Benign for Dilated cardiomyopathy 1G; Autosomal recessive limb-girdle muscular dystrophy type 2J. Last evaluated: 2026-02-03. Review status: criteria provided, single submitter. Criteria: Invitae Variant Classification Sherloc (09022015). Collection method: clinical testing. Allele origin: germline.

CeGaT Center for Human Genetics Tuebingen
Classification: Likely benign. Last evaluated: 2025-03-01. Review status: criteria provided, single submitter. Criteria: CeGaT Center For Human Genetics Tuebingen Variant Classification Criteria Version 2. Collection method: clinical testing. Allele origin: germline. Affected: yes. Observed: 1 variant allele.
Comment: TTN: BS1

GeneDx
Classification: Likely benign. Last evaluated: 2021-05-20. Review status: criteria provided, single submitter. Criteria: GeneDx Variant Classification Process June 2021. Collection method: clinical testing. Allele origin: germline. Affected: yes.
Comment: This variant is associated with the following publications: (PMID: 27066551, 24503780, 32464347)

Eurofins Ntd Llc (ga)
Classification: Likely benign. Last evaluated: 2017-01-31. Review status: criteria provided, single submitter. Criteria: EGL Classification Definitions 2015. Collection method: clinical testing. Allele origin: germline. Observed: 2 variant alleles, 2 heterozygotes.

ARUP Laboratories, Molecular Genetics and Genomics, ARUP Laboratories
Classification: Likely benign. Last evaluated: 2016-12-09. Review status: criteria provided, single submitter. Criteria: ARUP Molecular Germline Variant Investigation Process. Collection method: clinical testing. Allele origin: germline.

Biesecker Lab/Clinical Genomics Section, National Institutes of Health
Classification: Likely benign. Last evaluated: 2013-06-24. Review status: criteria provided, single submitter. Criteria: Ng et al. (Circ Cardiovasc Genet. 2013). Collection method: research. Allele origin: unknown. Observed: 2 variant alleles. Study: ClinSeq.
Comment: The study set was not selected for affection status in relation to any cancer. Pathogenicity categories were based on literature curation. See Pubmed ID:23861362 for details.

Medical sequencing

Laboratory for Molecular Medicine, Mass General Brigham Personalized Medicine
Classification: Uncertain significance. Last evaluated: 2012-08-13. Review status: criteria provided, single submitter. Criteria: LMM Criteria. Collection method: clinical testing. Allele origin: germline. Observed: 1 variant allele.
Comment: Variant classified as Uncertain Significance - Favor Benign. The Ala8736Thr vari ant in TTN has been identified in 0.8% (3/394) of Han Chinese chromosomes from a broad population by the 1000 Genomes project (dbSNP rs189286381). Computational analyses (biochemical amino acid properties, conservation, AlignGVGD, PolyPhen2 , and SIFT) do not provide strong support for or against an impact to the protei n. While the variant?s frequency suggests that this variant is more likely benig n, it is too low to confidently rule out a disease causing role. Additional info rmation is needed to fully assess the clinical significance of the Ala8736Thr va riant.